The following is an entry in ClinVar:

NM_001197104.2(KMT2A):c.6357del (p.Ile2119_Ile2120insTer)

Gene: KMT2A (lysine methyltransferase 2A; plus strand). Cytogenetic location: 11q23.3.
Variant type: Deletion.
Coding change: c.6357del on transcript NM_001197104.2 (MANE Select); coding-DNA position 6357, one base deleted (T; older notation c.6357delT).
Protein change: p.Ile2119_Ile2120insTer.
Molecular consequence: frameshift variant.
Genome position (GRCh38, 1-based): chr11:118,501,709, T deleted; the last of 2 consecutive T bases (chr11:118,501,708-118,501,709); deleting either gives the same sequence. VCF-style (leftmost placement, unchanged base first): chr11-118501707-AT-A. GRCh37 (hg19) VCF-style: chr11-118372422-AT-A.
Other names: c.6348del, p.Ile2116_Ile2117insTer (NM_005933.4).
Identifiers: ClinVar variation 1683552 (VCV001683552.2), dbSNP rs2134381253, ClinGen allele CA2573147035.
Genomic context (GRCh38, chr11:118,501,707, plus strand): 5'-TAAGAGTTTTTATTTCCTGCCACAGAAAGTTCATCAAAAGAGAGTCAAAACACAGCTGAA[AT>A]TATAAGTCCTCCATCACCAGACCGACCTCCTCATTCACAAACCTCTGGCTCCTGTTATTA-3'

ClinVar aggregate classification (germline): Likely pathogenic (1 of 4 stars; one submission).

Conditions:
Wiedemann-Steiner syndrome (WDSTS). Also called: Growth deficiency and mental retardation with facial dysmorphism. Identifiers: Orphanet 319182, MedGen C1854630, MONDO:0011518, OMIM 605130.

Submission:

Laboratorio de Genetica e Diagnostico Molecular, Hospital Israelita Albert Einstein
Classification: Likely pathogenic for Wiedemann-Steiner syndrome. Last evaluated: 2021-12-28. Review status: criteria provided, single submitter. Criteria: ACMG Guidelines, 2015. Collection method: clinical testing. Allele origin: germline. Affected: yes.
Comment: ACMG classification criteria: PVS1 very strong, PM2 moderate